The following is an entry in ClinVar:

ClinVar aggregate classification (germline): Benign (1 of 4 stars; one submission).

Allele frequency attached by ClinVar (database versions not stated): 1000 Genomes Project 0.27576; gnomAD 0.32591; ExAC 0.32860; ESP Exome Variant Server 0.40178.

Submission:

Unidad de Genómica Garrahan, Hospital de Pediatría Garrahan
Classification: Benign. Last evaluated: 2024-01-24. Review status: criteria provided, single submitter. Criteria: ACMG Guidelines, 2015. Collection method: clinical testing. Allele origin: germline. Affected: no. Observed: 44 variant alleles.
Comment: This variant is classified as Benign based on local population frequency. This variant was detected in 46% of patients studied by a panel of primary immunodeficiencies. Number of patients: 44. Only high quality variants are reported.

NM_001572.5(IRF7):c.847+43C>T

Gene: IRF7 (interferon regulatory factor 7; minus strand). Cytogenetic location: 11p15.5.
Variant type: single nucleotide variant.
Coding change: c.847+43C>T on transcript NM_001572.5 (MANE Select); 43 bases into the intron after coding-DNA position 847, C replaced by T.
Molecular consequence: intron variant.
Genome position (GRCh38, 1-based): chr11:613,742, G>A on the plus strand (C>T on the coding strand, the complement: IRF7 is on the minus strand). VCF-style: chr11-613742-G-A. GRCh37 (hg19) VCF-style: chr11-613742-G-A.
Other names: c.760+43C>T (NM_004029.4); c.886+43C>T (NM_004031.4).
Identifiers: ClinVar variation 2688137 (VCV002688137.2), dbSNP rs60870990, ClinGen allele CA5783687.